The following is an entry in ClinVar:

ClinVar aggregate classification (germline): Conflicting classifications of pathogenicity. Review status: criteria provided, conflicting classifications (1 of 4 stars). 4 submissions from 4 submitters: Uncertain significance (1); Benign (1); Likely benign (1). 1 of the submissions does not count toward it. Last evaluated 2026-01-28.

Conditions:
PEX2-related disorder. Also called: PEX2-related condition.
Peroxisome biogenesis disorder 5A (Zellweger) (PBD5A). Identifiers: Orphanet 912, MedGen C3553940, MONDO:0013932, OMIM 614866.

Allele frequency attached by ClinVar (database versions not stated): gnomAD exomes 0.00006 and 0.00018; ExAC 0.00023; 1000 Genomes Project 0.00040; gnomAD 0.00063 and 0.00064; TOPMed 0.00070; ESP Exome Variant Server 0.00077; 1000 Genomes Project 30x 0.00078.
gnomAD v4.1: 193 of 1,614,108 alleles (0.012%); highest among the groups gnomAD compares: African/African-American, 0.23%; 1 homozygote.

Submissions (4):

Labcorp Genetics (formerly Invitae), Labcorp
Classification: Likely benign for Peroxisome biogenesis disorder 5A (Zellweger). Last evaluated: 2026-01-28. Review status: criteria provided, single submitter. Criteria: Invitae Variant Classification Sherloc (09022015). Collection method: clinical testing. Allele origin: germline.

Blueprint Genetics
Classification: Benign. Last evaluated: 2023-10-19. Review status: criteria provided, single submitter. Criteria: ACMG Guidelines, 2015. Collection method: clinical testing. Allele origin: germline.

Eurofins Ntd Llc (ga)
Classification: Uncertain significance. Last evaluated: 2016-12-05. Review status: criteria provided, single submitter. Criteria: EGL Classification Definitions 2015. Collection method: clinical testing. Allele origin: germline. Observed: 7 variant alleles, 7 heterozygotes.

PreventionGenetics, part of Exact Sciences
Classification: Likely benign for PEX2-related condition. Last evaluated: 2022-02-25. Review status: no assertion criteria provided. Collection method: clinical testing. Allele origin: germline. Not counted in ClinVar's aggregate classification.
Comment: This variant is classified as likely benign based on ACMG/AMP sequence variant interpretation guidelines (Richards et al. 2015 PMID: 25741868, with internal and published modifications).

NM_000318.3(PEX2):c.269C>T (p.Ser90Phe)

Gene: PEX2 (peroxisomal biogenesis factor 2; minus strand). Cytogenetic location: 8q21.13.
Variant type: single nucleotide variant.
Coding change: c.269C>T on transcript NM_000318.3 (MANE Select); coding-DNA position 269, C replaced by T.
Protein change: p.Ser90Phe; replaces serine 90 with phenylalanine.
Molecular consequence: missense variant.
Genome position (GRCh38, 1-based): chr8:76,983,910, G>A on the plus strand (C>T on the coding strand, the complement: PEX2 is on the minus strand). VCF-style: chr8-76983910-G-A. GRCh37 (hg19) VCF-style: chr8-77896146-G-A.
Other names: c.269C>T, p.Ser90Phe (NM_001079867.2, NM_001172086.2, NM_001172087.2); short protein forms S90F.
Identifiers: ClinVar variation 167456 (VCV000167456.18), dbSNP rs146354196, ClinGen allele CA234531.